The following is an entry in ClinVar:

NM_018489.3(ASH1L):c.5603A>C (p.Gln1868Pro)

Gene: ASH1L (ASH1 like histone lysine methyltransferase; minus strand). Cytogenetic location: 1q22.
Variant type: single nucleotide variant.
Coding change: c.5603A>C on transcript NM_018489.3 (MANE Select); coding-DNA position 5603, A replaced by C.
Protein change: p.Gln1868Pro; replaces glutamine 1868 with proline.
Molecular consequence: missense variant.
Genome position (GRCh38, 1-based): chr1:155,438,552, T>G on the plus strand (A>C on the coding strand, the complement: ASH1L is on the minus strand). VCF-style: chr1-155438552-T-G. GRCh37 (hg19) VCF-style: chr1-155408343-T-G.
Other names: c.5603A>C, p.Gln1868Pro (NM_001366177.2); short protein forms Q1868P.
Identifiers: ClinVar variation 1683363 (VCV001683363.1), dbSNP rs1040483514, ClinGen allele CA342688701.

ClinVar aggregate classification (germline): Uncertain significance (1 of 4 stars; one submission).

Submission:

Women's Health and Genetics/Laboratory Corporation of America, LabCorp
Classification: Uncertain significance. Last evaluated: 2022-04-26. Review status: criteria provided, single submitter. Criteria: LabCorp Variant Classification Summary - May 2015. Collection method: clinical testing. Allele origin: germline.
Comment: Variant summary: ASH1L c.5603A>C (p.Gln1868Pro) results in a non-conservative amino acid change in the encoded protein sequence. Four of five in-silico tools predict a damaging effect of the variant on protein function. The variant was absent in 251022 control chromosomes (gnomAD). The available data on variant occurrences in the general population are insufficient to allow any conclusion about variant significance. To our knowledge, no occurrence of c.5603A>C in individuals affected with Intellectual Disability, Autosomal Dominant 52 and no experimental evidence demonstrating its impact on protein function have been reported. No clinical diagnostic laboratories have submitted clinical-significance assessments for this variant to ClinVar after 2014. Based on the evidence outlined above, the variant was classified as uncertain significance.